The following is an entry in ClinVar:

NM_005120.3(MED12):c.438A>G (p.Leu146=)

Gene: MED12 (mediator complex subunit 12; plus strand). Cytogenetic location: Xq13.1.
Variant type: single nucleotide variant.
Coding change: c.438A>G on transcript NM_005120.3 (MANE Select); coding-DNA position 438, A replaced by G.
Protein change: p.Leu146=; no amino-acid change (leucine 146 retained).
Molecular consequence: synonymous variant.
Genome position (GRCh38, 1-based): chrX:71,120,055, A>G. VCF-style: chrX-71120055-A-G. GRCh37 (hg19) VCF-style: chrX-70339905-A-G.
Identifiers: ClinVar variation 167282 (VCV000167282.27), dbSNP rs35068602, ClinGen allele CA295624.

ClinVar aggregate classification (germline): Benign/Likely benign. Review status: criteria provided, multiple submitters, no conflicts (2 of 4 stars). 6 submissions from 6 submitters: Benign (3); Likely benign (3). Last evaluated 2026-01-11.

Conditions:
FG syndrome (FGS). Identifiers: MedGen C0220769, MONDO:0002010.
Familial thoracic aortic aneurysm and aortic dissection (TAAD). Also called: Thoracic aortic aneurysms and dissections. Identifiers: Orphanet 91387, MedGen C4707243, MONDO:0019625.

Allele frequency attached by ClinVar (database versions not stated): gnomAD exomes 0.00008 and 0.00018; 1000 Genomes Project 30x 0.00021; ExAC 0.00025; 1000 Genomes Project 0.00026; gnomAD 0.00091 and 0.00100; TOPMed 0.00116; ESP Exome Variant Server 0.00142.
gnomAD v4.1: 196 of 1,210,027 alleles (0.016%); highest among the groups gnomAD compares: African/African-American, 0.32%; 1 homozygote.

Submissions (6):

Labcorp Genetics (formerly Invitae), Labcorp
Classification: Benign for FG syndrome. Last evaluated: 2026-01-11. Review status: criteria provided, single submitter. Criteria: Invitae Variant Classification Sherloc (09022015). Collection method: clinical testing. Allele origin: germline.

CeGaT Center for Human Genetics Tuebingen
Classification: Likely benign. Last evaluated: 2025-11-01. Review status: criteria provided, single submitter. Criteria: CeGaT Center For Human Genetics Tuebingen Variant Classification Criteria Version 2. Collection method: clinical testing. Allele origin: germline. Affected: yes. Observed: 1 variant allele.
Comment: MED12: BP4, BP7, BS2

Blueprint Genetics
Classification: Likely benign. Last evaluated: 2023-12-27. Review status: criteria provided, single submitter. Criteria: ACMG Guidelines, 2015. Collection method: clinical testing. Allele origin: germline.

Ambry Genetics
Classification: Likely benign for Familial thoracic aortic aneurysm and aortic dissection. Last evaluated: 2016-03-03. Review status: criteria provided, single submitter. Criteria: Ambry Variant Classification Scheme 2023. Collection method: clinical testing. Allele origin: germline.

GeneDx
Classification: Benign. Last evaluated: 2015-02-06. Review status: criteria provided, single submitter. Criteria: GeneDx Variant Classification (06012015). Collection method: clinical testing. Allele origin: germline. Affected: yes.
Comment: This variant is considered likely benign or benign based on one or more of the following criteria: it is a conservative change, it occurs at a poorly conserved position in the protein, it is predicted to be benign by multiple in silico algorithms, and/or has population frequency not consistent with disease.

Eurofins Ntd Llc (ga)
Classification: Benign. Last evaluated: 2014-02-20. Review status: criteria provided, single submitter. Criteria: EGL Classification Definitions 2015. Collection method: clinical testing. Allele origin: germline. Observed: 1 variant allele, 1 heterozygote.